The following is an entry in ClinVar:

NM_001005242.3(PKP2):c.1232T>C (p.Val411Ala)

Gene: PKP2 (plakophilin 2; minus strand). Cytogenetic location: 12p11.21.
Variant type: single nucleotide variant.
Coding change: c.1232T>C on transcript NM_001005242.3 (MANE Select); coding-DNA position 1232, T replaced by C.
Protein change: p.Val411Ala; replaces valine 411 with alanine.
Molecular consequence: missense variant.
Genome position (GRCh38, 1-based): chr12:32,850,912, A>G on the plus strand (T>C on the coding strand, the complement: PKP2 is on the minus strand). VCF-style: chr12-32850912-A-G. GRCh37 (hg19) VCF-style: chr12-33003846-A-G.
Other names: c.1232T>C, p.Val411Ala (NM_004572.4, NM_001407155.1, NM_001407156.1 and 2 more transcripts); c.905T>C, p.Val302Ala (NM_001407158.1, NM_001407159.1, NM_001407160.1 and 1 more transcripts); short protein forms V302A, V411A.
Identifiers: ClinVar variation 3071096 (VCV003071096.1), dbSNP rs2541286713, ClinGen allele CA384370655.

ClinVar aggregate classification (germline): Uncertain significance (1 of 4 stars; one submission).

Conditions:
Arrhythmogenic right ventricular cardiomyopathy (ARVD). Also called: Arrhythmogenic right ventricular dysplasia; Cardiomyopathy, ARVC; Arrhythmogenic cardiomyopathy; Arrhythmogenic Right Ventricular Cardiomyopathy (ARVC). Identifiers: Orphanet 247, MedGen C0349788, MeSH D019571, MONDO:0016587. Disease mechanism: loss of function. Inheritance: Various modes of inheritance.

Submission:

All of Us Research Program, National Institutes of Health
Classification: Uncertain significance for Arrhythmogenic right ventricular cardiomyopathy. Last evaluated: 2023-05-16. Review status: criteria provided, single submitter. Criteria: ACMG Guidelines, 2015. Collection method: clinical testing. Allele origin: germline. Inheritance: Autosomal dominant inheritance. Observed: 1 variant allele, 1 heterozygote.
Comment: This missense variant replaces valine with alanine at codon 411 of the PKP2 protein. Computational prediction suggests that this variant may not impact protein structure and function (internally defined REVEL score threshold <= 0.5, PMID: 27666373). To our knowledge, functional studies have not been reported for this variant. This variant has not been reported in individuals affected with PKP2-related disorders in the literature. This variant has not been identified in the general population by the Genome Aggregation Database (gnomAD). The available evidence is insufficient to determine the role of this variant in disease conclusively. Therefore, this variant is classified as a Variant of Uncertain Significance.

This study involves interpretation of variants in research participants for the purpose of population health screening. Participant phenotype was not available at the time of variant classification. Additional details can be found in publication PMID: 35346344, PMCID: PMC8962531